The following is an entry in ClinVar:

ClinVar aggregate classification (germline): Conflicting classifications of pathogenicity. Review status: criteria provided, conflicting classifications (1 of 4 stars). 8 submissions from 8 submitters: Uncertain significance (5); Benign (1); Likely benign (2). Last evaluated 2025-12-13.

Conditions:
Hyperphosphatasia with impaired intellectual development syndrome 1. Also called: MABRY SYNDROME; GLYCOSYLPHOSPHATIDYLINOSITOL BIOSYNTHESIS DEFECT 2; Hyperphosphatasia with intellectual disability syndrome 1. Identifiers: Orphanet 247262, MedGen C4551502, MONDO:0009398, OMIM 239300.
Inborn genetic diseases. Identifiers: MedGen C0950123, MeSH D030342.

Allele frequency attached by ClinVar (database versions not stated): gnomAD 0.00068 and 0.00066; ExAC 0.00077; ESP Exome Variant Server 0.00077; TOPMed 0.00084; gnomAD exomes 0.00087 and 0.00091.
gnomAD v4.1: 1,458 of 1,613,990 alleles (0.09%); highest among the groups gnomAD compares: Non-Finnish European, 0.089%; 1 homozygote.

Submissions (8):

Labcorp Genetics (formerly Invitae), Labcorp
Classification: Benign. Last evaluated: 2025-12-13. Review status: criteria provided, single submitter. Criteria: Invitae Variant Classification Sherloc (09022015). Collection method: clinical testing. Allele origin: germline.

Blueprint Genetics
Classification: Uncertain significance. Last evaluated: 2024-11-08. Review status: criteria provided, single submitter. Criteria: ACMG Guidelines, 2015. Collection method: clinical testing. Allele origin: germline.

Ambry Genetics
Classification: Likely benign for Inborn genetic diseases. Last evaluated: 2021-04-03. Review status: criteria provided, single submitter. Criteria: Ambry Variant Classification Scheme 2023. Collection method: clinical testing. Allele origin: germline.

Baylor Genetics
Classification: Uncertain significance for Hyperphosphatasia with impaired intellectual development syndrome 1. Last evaluated: 2019-04-19. Review status: criteria provided, single submitter. Criteria: ACMG Guidelines, 2015. Collection method: clinical testing. Allele origin: maternal. Affected: yes.
Comment: This variant was determined to be of uncertain significance according to ACMG Guidelines, 2015 [PMID:25741868].

Fulgent Genetics
Classification: Uncertain significance for Hyperphosphatasia with impaired intellectual development syndrome 1. Last evaluated: 2018-10-31. Review status: criteria provided, single submitter. Criteria: ACMG Guidelines, 2015. Collection method: clinical testing. Allele origin: unknown.

Athena Diagnostics
Classification: Likely benign. Last evaluated: 2017-11-20. Review status: criteria provided, single submitter. Criteria: Athena Diagnostics criteria. Collection method: clinical testing. Allele origin: unknown.

GeneDx
Classification: Uncertain significance. Last evaluated: 2017-10-27. Review status: criteria provided, single submitter. Criteria: GeneDx Variant Classification (06012015). Collection method: clinical testing. Allele origin: germline. Affected: yes.
Comment: A variant of uncertain significance has been identified in the PIGV gene. The L457F variant in the PIGV gene has been reported previously in a heterozygous state in an individual with seizures, developmental delay, hypotonia, dysmorphic facial features, and hyperphosphatasia (Thompson et al., 2012); however, compound heterozygous variants in the PGAP3 gene have also been reported in this individual (Howard et al., 2014). The L457F variant is observed in 87/66738 (0.13%) alleles from individuals of non-Finnish European background (Lek et al., 2016; 1000 Genomes Consortium et al., 2015; Exome Variant Server). The L457F variant is a conservative amino acid substitution, which is not likely to impact secondary protein structure as these residues share similar properties. This substitution occurs at a position that is conserved across species; however, Phenylalanine is observed at this position in evolution. Functional studies show that the L457F variant in the PIGV gene does not impair the function of the PIGV protein (Howard et al., 2014). In silico analysis is inconsistent in its predictions as to whether or not the variant is damaging to the protein structure/function. Based on the currently available information, it is unclear whether this variant is a pathogenic variant or a rare benign variant.

Illumina Laboratory Services, Illumina
Classification: Uncertain significance for Hyperphosphatasia with impaired intellectual development syndrome 1. Last evaluated: 2017-04-27. Review status: criteria provided, single submitter. Criteria: ICSL Variant Classification Criteria 13 December 2019. Collection method: clinical testing. Allele origin: germline.
Comment: This variant was observed as part of a predisposition screen in an ostensibly healthy population. A literature search was performed for the gene, cDNA change, and amino acid change (where applicable). Publications were found based on this search. However, the evidence from the literature, in combination with allele frequency data from public databases where available, was not sufficient to rule this variant in or out of causing disease. Therefore, this variant is classified as a variant of unknown significance.

Literature cited by the submitters: PubMed 22315194 (cited by Illumina Laboratory Services, Illumina).

NM_017837.4(PIGV):c.1369C>T (p.Leu457Phe)

Gene: PIGV (phosphatidylinositol glycan anchor biosynthesis class V; plus strand). Cytogenetic location: 1p36.11.
Variant type: single nucleotide variant.
Coding change: c.1369C>T on transcript NM_017837.4 (MANE Select); coding-DNA position 1369, C replaced by T.
Protein change: p.Leu457Phe; replaces leucine 457 with phenylalanine.
Molecular consequence: missense variant. On other transcripts: non-coding transcript variant (2).
Genome position (GRCh38, 1-based): chr1:26,797,731, C>T. VCF-style: chr1-26797731-C-T. GRCh37 (hg19) VCF-style: chr1-27124222-C-T.
Other names: c.1369C>T, p.Leu457Phe (NM_001202554.2, NM_001374478.1, NM_001374480.1 and 2 more transcripts); c.988C>T, p.Leu330Phe (NM_001374483.1); c.742C>T, p.Leu248Phe (NM_001374484.1, NM_001374485.1); c.247C>T, p.Leu83Phe (NM_001374486.1); short protein forms L457F, L248F, L330F, L83F.
Identifiers: ClinVar variation 426552 (VCV000426552.21), dbSNP rs143676075, ClinGen allele CA708215.
Genomic context (GRCh38, chr1:26,797,731, plus strand): 5'-AAGCCTCTTGCAGAGGACTCCCCACCAGGACAAAAGGTCCCCAGAAATCCTATCATGGGA[C>T]TTTTGTATCACTGGAAAACCTGTTCTCCAGTCACACGATACATTCTAGGCTACTTCCTGA-3'
Protein context (NP_060307.2, residues 447-467): QKVPRNPIMG[Leu457Phe]LYHWKTCSPV